The following is an entry in ClinVar:

ClinVar aggregate classification (germline): Benign (1 of 4 stars; one submission).

Conditions:
Familial colorectal cancer type X. Identifiers: Orphanet 440437, MedGen C3896578, MONDO:0018604.

Submission:

Myriad Genetics, Inc.
Classification: Benign for Familial colorectal cancer type X. Last evaluated: 2026-08-04. Review status: criteria provided, single submitter. Criteria: Myriad Autosomal Dominant, Autosomal Recessive and X-Linked Classification Criteria (2023). Collection method: clinical testing. Allele origin: unknown.
Comment: This variant is considered benign. This variant is a silent/synonymous amino acid change and it is not expected to impact splicing.

NM_001146227.3(RPS20):c.369A>G (p.Thr123=)

Gene: RPS20 (ribosomal protein S20; minus strand). Cytogenetic location: 8q12.1.
Variant type: single nucleotide variant.
Coding change: c.369A>G on transcript NM_001146227.3; coding-DNA position 369, A replaced by G.
Protein change: p.Thr123=; no amino-acid change (threonine 123 retained).
Molecular consequence: synonymous variant.
Genome position (GRCh38, 1-based): chr8:56,069,798, T>C on the plus strand (A>G on the coding strand, the complement: RPS20 is on the minus strand). VCF-style: chr8-56069798-T-C. GRCh37 (hg19) VCF-style: chr8-56982357-T-C.
Identifiers: ClinVar variation 5042323 (VCV005042323.1).